The following is an entry in ClinVar:

NM_001018005.2(TPM1):c.313C>T (p.Arg105Cys)

Gene: TPM1 (tropomyosin 1; plus strand). Cytogenetic location: 15q22.2.
Variant type: single nucleotide variant.
Coding change: c.313C>T on transcript NM_001018005.2 (MANE Select); coding-DNA position 313, C replaced by T.
Protein change: p.Arg105Cys; replaces arginine 105 with cysteine.
Molecular consequence: missense variant.
Genome position (GRCh38, 1-based): chr15:63,057,057, C>T. VCF-style: chr15-63057057-C-T. GRCh37 (hg19) VCF-style: chr15-63349256-C-T.
Other names: c.313C>T, p.Arg105Cys (NM_000366.6, NM_001018004.2, NM_001018006.2 and 20 more transcripts); c.205C>T, p.Arg69Cys (NM_001018008.2, NM_001301289.2, NM_001330344.2 and 9 more transcripts); c.439C>T, p.Arg147Cys (NM_001365778.1, NM_001407322.1, NM_001407323.1 and 1 more transcripts); short protein forms R69C, R147C, R105C.
Identifiers: ClinVar variation 1728066 (VCV001728066.7), dbSNP rs2542721497, ClinGen allele CA392720983.

ClinVar aggregate classification (germline): Uncertain significance. Review status: criteria provided, multiple submitters, no conflicts (2 of 4 stars). 4 submissions from 4 submitters: Uncertain significance (4). Last evaluated 2025-09-10.

Conditions:
Cardiovascular phenotype. Identifiers: MedGen CN230736.
Dilated cardiomyopathy 1Y (CMD1Y). Identifiers: Orphanet 154, Orphanet 54260, MedGen C2678476, MONDO:0012744, OMIM 611878.
Hypertrophic cardiomyopathy 3. Also called: TPM1-Related Familial Hypertrophic Cardiomyopathy. Identifiers: MedGen C1861863, MONDO:0007267, OMIM 115196.
Hypertrophic cardiomyopathy. Also called: HYPERTROPHIC MYOCARDIOPATHY. Identifiers: Orphanet 217569, MedGen C0007194, MeSH D002312, MONDO:0005045, HP:0001639.

Allele frequency attached by ClinVar (database versions not stated): gnomAD exomes below 0.00001.
gnomAD v4.1: 5 of 1,614,176 alleles (0.00031%); highest among the groups gnomAD compares: South Asian, 0.0011%; no homozygotes.

Submissions (4):

Labcorp Genetics (formerly Invitae), Labcorp
Classification: Uncertain significance for Hypertrophic cardiomyopathy. Last evaluated: 2025-09-10. Review status: criteria provided, single submitter. Criteria: Invitae Variant Classification Sherloc (09022015). Collection method: clinical testing. Allele origin: germline.
Comment: This sequence change replaces arginine, which is basic and polar, with cysteine, which is neutral and slightly polar, at codon 105 of the TPM1 protein (p.Arg105Cys). This variant is not present in population databases (gnomAD no frequency). This variant has not been reported in the literature in individuals affected with TPM1-related conditions. ClinVar contains an entry for this variant (Variation ID: 1728066). An algorithm developed to predict the effect of missense changes on protein structure and function (PolyPhen-2) suggests that this variant is likely to be disruptive. In summary, the available evidence is currently insufficient to determine the role of this variant in disease. Therefore, it has been classified as a Variant of Uncertain Significance.

GeneDx
Classification: Uncertain significance. Last evaluated: 2025-05-06. Review status: criteria provided, single submitter. Criteria: GeneDx Variant Classification Process June 2021. Collection method: clinical testing. Allele origin: germline. Affected: yes.
Comment: Not observed at significant frequency in large population cohorts (gnomAD); In silico analysis supports that this missense variant has a deleterious effect on protein structure/function; Has not been previously published as pathogenic or benign to our knowledge

Fulgent Genetics
Classification: Uncertain significance for Hypertrophic cardiomyopathy 3; Dilated cardiomyopathy 1Y. Last evaluated: 2024-01-17. Review status: criteria provided, single submitter. Criteria: ACMG Guidelines, 2015. Collection method: clinical testing. Allele origin: germline.

Ambry Genetics
Classification: Uncertain significance for Cardiovascular phenotype. Last evaluated: 2022-08-20. Review status: criteria provided, single submitter. Criteria: Ambry Variant Classification Scheme 2023. Collection method: clinical testing. Allele origin: germline.
Comment: The p.R105C variant (also known as c.313C>T), located in coding exon 3 of the TPM1 gene, results from a C to T substitution at nucleotide position 313. The arginine at codon 105 is replaced by cysteine, an amino acid with highly dissimilar properties. This amino acid position is conserved. In addition, this alteration is predicted to be deleterious by in silico analysis. Since supporting evidence is limited at this time, the clinical significance of this alteration remains unclear.